The following is an entry in ClinVar:

ClinVar aggregate classification (germline): Uncertain significance (1 of 4 stars; one submission).

Submission:

Labcorp Genetics (formerly Invitae), Labcorp
Classification: Uncertain significance. Last evaluated: 2021-12-15. Review status: criteria provided, single submitter. Criteria: Invitae Variant Classification Sherloc (09022015). Collection method: clinical testing. Allele origin: germline.
Comment: Advanced modeling of protein sequence and biophysical properties (such as structural, functional, and spatial information, amino acid conservation, physicochemical variation, residue mobility, and thermodynamic stability) performed at Invitae indicates that this missense variant is not expected to disrupt POC1B protein function. In summary, the available evidence is currently insufficient to determine the role of this variant in disease. Therefore, it has been classified as a Variant of Uncertain Significance. This variant has not been reported in the literature in individuals affected with POC1B-related conditions. This sequence change replaces glycine, which is neutral and non-polar, with arginine, which is basic and polar, at codon 281 of the POC1B protein (p.Gly281Arg). This variant is not present in population databases (gnomAD no frequency).

NM_172240.3(POC1B):c.841G>C (p.Gly281Arg)

Genes: POC1B (POC1 centriolar protein B; minus strand), POC1B-DUSP6 (POC1B-DUSP6 readthrough; minus strand). Cytogenetic location: 12q21.33.
Variant type: single nucleotide variant.
Coding change: c.841G>C on transcript NM_172240.3 (MANE Select); coding-DNA position 841, G replaced by C.
Protein change: p.Gly281Arg; replaces glycine 281 with arginine.
Molecular consequence: missense variant. On other transcripts: non-coding transcript variant (2).
Genome position (GRCh38, 1-based): chr12:89,467,655, C>G on the plus strand (G>C on the coding strand, the complement: POC1B is on the minus strand). VCF-style: chr12-89467655-C-G. GRCh37 (hg19) VCF-style: chr12-89861432-C-G.
Other names: c.715G>C, p.Gly239Arg (NM_001199777.2); short protein forms G239R, G281R.
Identifiers: ClinVar variation 1507787 (VCV001507787.6), dbSNP rs1565737608, ClinGen allele CA385995098.
Genomic context (GRCh38, chr12:89,467,655, plus strand): 5'-AGGAGCTGAAAGATTTACAAACCTGTGTGTCTGCACCTCCTGATGCAAATAGCTCTCCAC[C>G]TTTTGAAAATGAAACAGTAAAGACAGGTCCCTGAGAAATAAAGGGAAATAAAGAAAAAAA-3'
Protein context (NP_758440.1, residues 271-291): GPVFTVSFSK[Gly281Arg]GELFASGGAD